The following is an entry in ClinVar:

NM_001942.4(DSG1):c.235G>T (p.Ala79Ser)

Gene: DSG1 (desmoglein 1; plus strand). Cytogenetic location: 18q12.1.
Variant type: single nucleotide variant.
Coding change: c.235G>T on transcript NM_001942.4 (MANE Select); coding-DNA position 235, G replaced by T.
Protein change: p.Ala79Ser; replaces alanine 79 with serine.
Molecular consequence: missense variant.
Genome position (GRCh38, 1-based): chr18:31,328,207, G>T. VCF-style: chr18-31328207-G-T. GRCh37 (hg19) VCF-style: chr18-28908170-G-T.
Other names: short protein forms A79S.
Identifiers: ClinVar variation 3505400 (VCV003505400.2).

ClinVar aggregate classification (germline): Uncertain significance. Review status: criteria provided, multiple submitters, no conflicts (2 of 4 stars). 2 submissions from 2 submitters: Uncertain significance (2). Last evaluated 2024-08-28.

Conditions:
Inborn genetic diseases. Identifiers: MedGen C0950123, MeSH D030342.

gnomAD v4.1: 7 of 1,613,366 alleles (0.00043%); highest among the groups gnomAD compares: Non-Finnish European, 0.00059%; no homozygotes.

Submissions (2):

Ambry Genetics
Classification: Uncertain significance for Inborn genetic diseases. Last evaluated: 2024-08-28. Review status: criteria provided, single submitter. Criteria: Ambry Variant Classification Scheme 2023. Collection method: clinical testing. Allele origin: germline.

Labcorp Genetics (formerly Invitae), Labcorp
Classification: Uncertain significance. Last evaluated: 2024-03-09. Review status: criteria provided, single submitter. Criteria: Invitae Variant Classification Sherloc (09022015). Collection method: clinical testing. Allele origin: germline.
Comment: This sequence change replaces alanine, which is neutral and non-polar, with serine, which is neutral and polar, at codon 79 of the DSG1 protein (p.Ala79Ser). This variant is not present in population databases (gnomAD no frequency). This variant has not been reported in the literature in individuals affected with DSG1-related conditions. Advanced modeling of protein sequence and biophysical properties (such as structural, functional, and spatial information, amino acid conservation, physicochemical variation, residue mobility, and thermodynamic stability) performed at Invitae indicates that this missense variant is not expected to disrupt DSG1 protein function with a negative predictive value of 80%. In summary, the available evidence is currently insufficient to determine the role of this variant in disease. Therefore, it has been classified as a Variant of Uncertain Significance.